The following is an entry in ClinVar:

NM_001378452.1(ITPR1):c.6387+5G>T

Gene: ITPR1 (inositol 1,4,5-trisphosphate receptor type 1; plus strand). Cytogenetic location: 3p26.1.
Variant type: single nucleotide variant.
Coding change: c.6387+5G>T on transcript NM_001378452.1 (MANE Select); 5 bases into the intron after coding-DNA position 6387, G replaced by T.
Molecular consequence: intron variant.
Genome position (GRCh38, 1-based): chr3:4,779,650, G>T. VCF-style: chr3-4779650-G-T. GRCh37 (hg19) VCF-style: chr3-4821334-G-T.
Other names: c.6243+5G>T (NM_001099952.4); c.6342+5G>T (NM_001168272.2); c.6198+5G>T (NM_002222.7).
Identifiers: ClinVar variation 4086350 (VCV004086350.1).
Genomic context (GRCh38, chr3:4,779,650, plus strand): 5'-GGCACGACAGTGAAAACGCAGAGAGGATACTTTATAACATGAGGCCCAAGGAACTGGTGA[G>T]TCGGGTGACGGATCTGATGGTAGCACCAAGGAGCATTGCGACGATATTTGGGACAGAGCA-3'

ClinVar aggregate classification (germline): Uncertain significance (1 of 4 stars; one submission).

Submission:

GeneDx
Classification: Uncertain significance. Last evaluated: 2025-03-18. Review status: criteria provided, single submitter. Criteria: GeneDx Variant Classification Process June 2021. Collection method: clinical testing. Allele origin: germline. Affected: yes.
Comment: Not observed at significant frequency in large population cohorts (gnomAD); Intronic +5 splice site variant in a gene for which loss of function is a known mechanism of disease, and both splice predictors and evolutionary conservation support a deleterious effect, although in the absence of functional evidence the actual effect of this sequence change is unknown.; Has not been previously published as pathogenic or benign to our knowledge